The following is an entry in ClinVar:

NM_005534.4(IFNGR2):c.978G>A (p.Pro326=)

Genes: IFNGR2 (interferon gamma receptor 2; plus strand), TMEM50B (transmembrane protein 50B; minus strand). Cytogenetic location: 21q22.11.
Variant type: single nucleotide variant.
Coding change: c.978G>A on transcript NM_005534.4 (MANE Select); coding-DNA position 978, G replaced by A.
Protein change: p.Pro326=; no amino-acid change (proline 326 retained).
Molecular consequence: synonymous variant.
Genome position (GRCh38, 1-based): chr21:33,436,926, G>A. VCF-style: chr21-33436926-G-A. GRCh37 (hg19) VCF-style: chr21-34809233-G-A.
Other names: c.1035G>A, p.Pro345= (NM_001329128.2).
Identifiers: ClinVar variation 474971 (VCV000474971.54), dbSNP rs17885407, ClinGen allele CA10007088.

ClinVar aggregate classification (germline): Benign/Likely benign. Review status: criteria provided, multiple submitters, no conflicts (2 of 4 stars). 4 submissions from 4 submitters: Benign (1); Likely benign (2). 1 of the submissions does not count toward it. Last evaluated 2026-02-01.

Conditions:
IFNGR2-related disorder. Also called: IFNGR2-related condition.
Immunodeficiency 28 (IMD28). Also called: IFNGR2 DEFICIENCY. Identifiers: Orphanet 319547, Orphanet 319574, MedGen C4013947, MONDO:0013953, OMIM 614889.

Allele frequency attached by ClinVar (database versions not stated): 1000 Genomes Project 0.00080; 1000 Genomes Project 30x 0.00094; ExAC 0.00136; gnomAD exomes 0.00138 and 0.00275; ESP Exome Variant Server 0.00161; TOPMed 0.00162; gnomAD 0.00178 and 0.00181.
gnomAD v4.1: 4,212 of 1,613,946 alleles (0.26%); highest among the groups gnomAD compares: Non-Finnish European, 0.34%; 12 homozygotes.

Submissions (7):

Labcorp Genetics (formerly Invitae), Labcorp
Classification: Benign for Immunodeficiency 28. Last evaluated: 2026-02-01. Review status: criteria provided, single submitter. Criteria: Invitae Variant Classification Sherloc (09022015). Collection method: clinical testing. Allele origin: germline.

Blueprint Genetics
Classification: Likely benign. Last evaluated: 2024-11-27. Review status: criteria provided, single submitter. Criteria: ACMG Guidelines, 2015. Collection method: clinical testing. Allele origin: germline.

CeGaT Center for Human Genetics Tuebingen
Classification: Likely benign. Last evaluated: 2020-01-01. Review status: criteria provided, single submitter. Criteria: CeGaT Center For Human Genetics Tuebingen Variant Classification Criteria Version 2. Collection method: clinical testing. Allele origin: germline. Affected: yes. Observed: 1 variant allele.

PreventionGenetics, part of Exact Sciences
Classification: Likely benign for IFNGR2-related condition. Last evaluated: 2020-03-12. Review status: no assertion criteria provided. Collection method: clinical testing. Allele origin: germline. Not counted in ClinVar's aggregate classification.
Comment: This variant is classified as likely benign based on ACMG/AMP sequence variant interpretation guidelines (Richards et al. 2015 PMID: 25741868, with internal and published modifications).

Dr. Peter K. Rogan Lab, Western University
No classification provided (evidence only). Condition: Lung cancer. Review status: no classification provided. Collection method: in vitro. Allele origin: not applicable. Functional consequence: retained intron. Not counted in ClinVar's aggregate classification.

Dr. Peter K. Rogan Lab, Western University
No classification provided (evidence only). Condition: Ovarian serous cystadenocarcinoma. Review status: no classification provided. Collection method: in vitro. Allele origin: not applicable. Functional consequence: retained intron. Not counted in ClinVar's aggregate classification.

Dr. Peter K. Rogan Lab, Western University
No classification provided (evidence only). Condition: Ovarian serous cystadenocarcinoma. Review status: no classification provided. Collection method: in vitro. Allele origin: not applicable. Functional consequence: retained intron. Not counted in ClinVar's aggregate classification.